The following is an entry in ClinVar:

ClinVar aggregate classification (germline): Benign. Review status: criteria provided, single submitter (1 of 4 stars). 3 submissions from 3 submitters: Benign (1). 2 of the submissions do not count toward it. Last evaluated 2026-08-07.

Conditions:
Familial cancer of breast. Also called: hereditary breast carcinoma; BREAST CANCER, FAMILIAL; Hereditary breast cancer. Identifiers: Orphanet 227535, MedGen C0346153, MONDO:0016419, OMIM 114480. Disease mechanism: loss of function.
POLQ-related disorder. Also called: POLQ-related condition.

Submissions (3):

Genomic Medicine Laboratory, Hospital de Clinicas de Porto Alegre
Classification: Benign for Familial cancer of breast. Last evaluated: 2026-08-07. Review status: criteria provided, single submitter. Criteria: ACGS UK Practice Guidelines For Variant Classification V12 2024. Collection method: research. Allele origin: germline. Affected: yes. Observed: 2 variant alleles.
Comment: BP3 + BS1 + BS2: In-frame deletions/insertions in a repetitive region without a known function + Allele frequency is greater than expected for disorder + Observed in a healthy adult individual for a recessive (homozygous), dominant heterozygous), or X-linked (hemizygous) disorder with full penetrance expected at an early age

PreventionGenetics, part of Exact Sciences
Classification: Benign for POLQ-related condition. Last evaluated: 2019-12-09. Review status: no assertion criteria provided. Collection method: clinical testing. Allele origin: germline. Not counted in ClinVar's aggregate classification.
Comment: This variant is classified as benign based on ACMG/AMP sequence variant interpretation guidelines (Richards et al. 2015 PMID: 25741868, with internal and published modifications).

Department of Pathology and Laboratory Medicine, Sinai Health System
Classification: Benign. Review status: no assertion criteria provided. Collection method: clinical testing. Allele origin: unknown. Affected: yes. Study: The Canadian Open Genetics Repository (COGR). Not counted in ClinVar's aggregate classification.
Comment: The POLQ p.Lys1025del variant was not identified in the literature nor was it identified in ClinVar. The variant was identified in dbSNP (ID: rs41547220), Cosmic and LOVD 3.0. The variant was also identified in control databases in 4294 of 276050 chromosomes (51 homozygous) at a frequency of 0.015555 increasing the likelihood this could be a low frequency benign variant (Genome Aggregation Database Feb 27, 2017). The variant was observed in the following populations: European (non-Finnish) in 2856 of 127428 chromosomes (freq: 0.02241), European (Finnish) in 458 of 24934 chromosomes (freq: 0.01837), Ashkenazi Jewish in 176 of 10072 chromosomes (freq: 0.01747), Other in 120 of 7064 chromosomes (freq: 0.01699), Latino in 482 of 33822 chromosomes (freq: 0.01425), African in 93 of 24644 chromosomes (freq: 0.003774), South Asian in 108 of 28620 chromosomes (freq: 0.003774), and East Asian in 1 of 19466 chromosomes (freq: 0.000051). This variant is an in-frame deletion resulting in the removal of a lysine (lys) residue at codon 1025; the impact of this alteration on POLQ protein function is not known. In summary, based on the above information this variant meets our laboratory's criteria to be classified as benign.

NM_199420.4(POLQ):c.3072_3074del (p.Lys1025del)

Gene: POLQ (DNA polymerase theta; minus strand). Cytogenetic location: 3q13.33.
Variant type: Deletion.
Coding change: c.3072_3074del on transcript NM_199420.4 (MANE Select); coding-DNA positions 3072 to 3074, 3 bases deleted (AAA; older notation c.3072_3074delAAA).
Protein change: p.Lys1025del; deletes lysine 1025.
Molecular consequence: inframe deletion.
Genome position (GRCh38, 1-based): chr3:121,489,857-121,489,859, TTT deleted on the plus strand (AAA on the coding strand, the reverse complement: POLQ is on the minus strand); deleting any 3 consecutive bases within chr3:121,489,857-121,489,862 gives the same sequence; the c. name uses the placement nearest the transcript's 3' end. VCF-style (leftmost placement, unchanged base first): chr3-121489856-CTTT-C. GRCh37 (hg19) VCF-style: chr3-121208703-CTTT-C.
Other names: c.3072_3074delAAA (NM_199420.3); short protein forms K1025del.
Identifiers: ClinVar variation 1050498 (VCV001050498.4), dbSNP rs41547220, ClinGen allele CA2563130.